The following is an entry in ClinVar:

NM_052947.4(ALPK2):c.6333C>A (p.Phe2111Leu)

Gene: ALPK2 (alpha kinase 2; minus strand). Cytogenetic location: 18q21.31.
Variant type: single nucleotide variant.
Coding change: c.6333C>A on transcript NM_052947.4 (MANE Select); coding-DNA position 6333, C replaced by A.
Protein change: p.Phe2111Leu; replaces phenylalanine 2111 with leucine.
Molecular consequence: missense variant.
Genome position (GRCh38, 1-based): chr18:58,482,003, G>T on the plus strand (C>A on the coding strand, the complement: ALPK2 is on the minus strand). VCF-style: chr18-58482003-G-T. GRCh37 (hg19) VCF-style: chr18-56149235-G-T.
Other names: short protein forms F2111L.
Identifiers: ClinVar variation 2449298 (VCV002449298.2), dbSNP rs2518842772, ClinGen allele CA402538727.
Genomic context (GRCh38, chr18:58,482,003, plus strand): 5'-TTTCAGTCCCAGCATTTTGCAATACTTGTTACACTGGTGTAGTGCTTTAAACTGATCAAT[G>T]AAGGTCATGGAACAGTTGCCTTTAAATCCCTTGTACCTGTGAGTTTGGGTGGAAGGAAAC-3'
Protein context (NP_443179.3, residues 2101-2121): KGFKGNCSMT[Phe2111Leu]IDQFKALHQC

ClinVar aggregate classification (germline): Uncertain significance (1 of 4 stars; one submission).

Submission:

Ambry Genetics
Classification: Uncertain significance. Last evaluated: 2023-02-27. Review status: criteria provided, single submitter. Criteria: Ambry Variant Classification Scheme 2023. Collection method: clinical testing. Allele origin: germline.
Comment: The p.F2111L variant (also known as c.6333C>A), located in coding exon 12 of the ALPK2 gene, results from a C to A substitution at nucleotide position 6333. The phenylalanine at codon 2111 is replaced by leucine, an amino acid with highly similar properties. This amino acid position is conserved. In addition, this alteration is predicted to be tolerated by in silico analysis. Since supporting evidence is limited at this time, the clinical significance of this alteration remains unclear.